The following is an entry in ClinVar:

ClinVar aggregate classification (germline): Likely benign (0 of 4 stars; one submission).

Conditions:
DNAI2-related disorder. Also called: DNAI2-related condition.

Allele frequency attached by ClinVar (database versions not stated): gnomAD 0.00002; TOPMed 0.00005; ExAC 0.00006; ESP Exome Variant Server 0.00008; 1000 Genomes Project 30x 0.00016; 1000 Genomes Project 0.00020.
gnomAD v4.1: 64 of 1,613,564 alleles (0.004%); highest among the groups gnomAD compares: Admixed American, 0.018%; no homozygotes.

Submission:

PreventionGenetics, part of Exact Sciences
Classification: Likely benign for DNAI2-related condition. Last evaluated: 2019-10-28. Review status: no assertion criteria provided. Collection method: clinical testing. Allele origin: germline.
Comment: This variant is classified as likely benign based on ACMG/AMP sequence variant interpretation guidelines (Richards et al. 2015 PMID: 25741868, with internal and published modifications).

NM_023036.6(DNAI2):c.-7C>T

Gene: DNAI2 (dynein axonemal intermediate chain 2; plus strand). Cytogenetic location: 17q25.1.
Variant type: single nucleotide variant.
Coding change: c.-7C>T on transcript NM_023036.6 (MANE Select); 7 bases upstream of the start codon, C replaced by T.
Molecular consequence: 5 prime UTR variant. On other transcripts: non-coding transcript variant (1).
Genome position (GRCh38, 1-based): chr17:74,281,811, C>T. VCF-style: chr17-74281811-C-T. GRCh37 (hg19) VCF-style: chr17-72277950-C-T.
Other names: c.-7C>T (NM_001172810.3, NM_001353167.2).
Identifiers: ClinVar variation 3045458 (VCV003045458.2), dbSNP rs370090383, ClinGen allele CA8745220.
Genomic context (GRCh38, chr17:74,281,811, plus strand): 5'-AGATAGGGAAGGGGCCGGTGGGGTCCCTCACCCCACACCCTCCCTCTGCCCCCCAGCAGC[C>T]GGCACCATGGAGATTGTGTACGTGTACGTCAAGAAGCGCAGCGAGTTCGGGAAGCAGTGC-3'